The following is an entry in ClinVar:

NM_001394998.1(TANC2):c.5462G>A (p.Arg1821His)

Gene: TANC2 (tetratricopeptide repeat, ankyrin repeat and coiled-coil containing 2; plus strand). Cytogenetic location: 17q23.3.
Variant type: single nucleotide variant.
Coding change: c.5462G>A on transcript NM_001394998.1 (MANE Select); coding-DNA position 5462, G replaced by A.
Protein change: p.Arg1821His; replaces arginine 1821 with histidine.
Molecular consequence: missense variant.
Genome position (GRCh38, 1-based): chr17:63,421,192, G>A. VCF-style: chr17-63421192-G-A. GRCh37 (hg19) VCF-style: chr17-61498553-G-A.
Other names: c.5240G>A, p.Arg1747His (NM_001411076.1); c.5210G>A, p.Arg1737His (NM_025185.4); short protein forms R1737H, R1747H, R1821H.
Identifiers: ClinVar variation 2648068 (VCV002648068.25), dbSNP rs145164118, ClinGen allele CA8698441.

ClinVar aggregate classification (germline): Likely benign. Review status: criteria provided, multiple submitters, no conflicts (2 of 4 stars). 2 submissions from 2 submitters: Likely benign (2). Last evaluated 2025-04-01.

Allele frequency attached by ClinVar (database versions not stated): 1000 Genomes Project 30x 0.00016; ESP Exome Variant Server 0.00016; 1000 Genomes Project 0.00020.
gnomAD v4.1: 455 of 1,613,980 alleles (0.028%); highest among the groups gnomAD compares: Non-Finnish European, 0.034%; 2 homozygotes.

Submissions (2):

CeGaT Center for Human Genetics Tuebingen
Classification: Likely benign. Last evaluated: 2025-04-01. Review status: criteria provided, single submitter. Criteria: CeGaT Center For Human Genetics Tuebingen Variant Classification Criteria Version 2. Collection method: clinical testing. Allele origin: germline. Affected: yes. Observed: 8 variant alleles.
Comment: TANC2: BS2

Laboratory of Genetics, Children's Clinical University Hospital Latvia
Classification: Likely benign. Last evaluated: 2025-02-16. Review status: criteria provided, single submitter. Criteria: ACMG Guidelines, 2015. Collection method: clinical testing. Allele origin: germline. Affected: yes.